The following is an entry in ClinVar:

NM_001142784.3(IL11RA):c.369C>T (p.Ala123=)

Gene: IL11RA (interleukin 11 receptor subunit alpha; plus strand). Cytogenetic location: 9p13.3.
Variant type: single nucleotide variant.
Coding change: c.369C>T on transcript NM_001142784.3 (MANE Select); coding-DNA position 369, C replaced by T.
Protein change: p.Ala123=; no amino-acid change (alanine 123 retained).
Molecular consequence: synonymous variant. On other transcripts: non-coding transcript variant (1).
Genome position (GRCh38, 1-based): chr9:34,657,072, C>T. VCF-style: chr9-34657072-C-T. GRCh37 (hg19) VCF-style: chr9-34657069-C-T.
Identifiers: ClinVar variation 2659160 (VCV002659160.24), dbSNP rs113716899, ClinGen allele CA5036450.
Genomic context (GRCh38, chr9:34,657,072, plus strand): 5'-CCAGGTGTACCCTCTGCCTCTAGACCCTCCAGCCCGCCCTGTTGTCTCCTGCCAAGCAGC[C>T]GACTATGAGAACTTCTCTTGCACTTGGAGTCCCAGCCAGATCAGCGGTTTACCCACCCGC-3'
Protein context (NP_001136256.1, residues 113-133): PARPVVSCQA[Ala123=]DYENFSCTWS

ClinVar aggregate classification (germline): Likely benign (1 of 4 stars; one submission).

Allele frequency attached by ClinVar (database versions not stated): gnomAD 0.00001; gnomAD exomes 0.00001; ExAC 0.00004; 1000 Genomes Project 30x 0.00016; 1000 Genomes Project 0.00020.
gnomAD v4.1: 22 of 1,614,128 alleles (0.0014%); highest among the groups gnomAD compares: South Asian, 0.0077%; 1 homozygote.

Submission:

CeGaT Center for Human Genetics Tuebingen
Classification: Likely benign. Last evaluated: 2023-08-01. Review status: criteria provided, single submitter. Criteria: CeGaT Center For Human Genetics Tuebingen Variant Classification Criteria Version 2. Collection method: clinical testing. Allele origin: germline. Affected: yes. Observed: 1 variant allele.
Comment: IL11RA: BP4, BP7